The following is an entry in ClinVar:

ClinVar aggregate classification (germline): Conflicting classifications of pathogenicity. Review status: criteria provided, conflicting classifications (1 of 4 stars). 4 submissions from 4 submitters: Uncertain significance (2); Likely benign (1). 1 of the submissions does not count toward it. Last evaluated 2025-12-08.

Conditions:
Hereditary cancer-predisposing syndrome. Also called: Hereditary Cancer Syndrome; Neoplastic Syndromes, Hereditary; Tumor predisposition; Hereditary neoplastic syndrome. Identifiers: Orphanet 140162, MedGen C0027672, MeSH D009386, MONDO:0015356.
Ataxia-telangiectasia syndrome (AT). Also called: Ataxia-telangiectasia, complementation group D; AT, COMPLEMENTATION GROUP C; ATAXIA-TELANGIECTASIA, COMPLEMENTATION GROUP A; ATAXIA-TELANGIECTASIA, FRESNO VARIANT; Ataxia-telangiectasia; LOUIS-BAR SYNDROME. Identifiers: Orphanet 100, MedGen C0004135, MONDO:0008840, OMIM 208900.

Allele frequency attached by ClinVar (database versions not stated): gnomAD exomes below 0.00001; TOPMed 0.00001.
gnomAD v4.1: 3 of 1,613,416 alleles (0.00019%); highest among the groups gnomAD compares: South Asian, 0.0022%; no homozygotes.

Submissions (4):

Labcorp Genetics (formerly Invitae), Labcorp
Classification: Uncertain significance for Ataxia-telangiectasia syndrome. Last evaluated: 2025-12-08. Review status: criteria provided, single submitter. Criteria: Invitae Variant Classification Sherloc (09022015). Collection method: clinical testing. Allele origin: germline.
Comment: This sequence change replaces tyrosine, which is neutral and polar, with cysteine, which is neutral and slightly polar, at codon 380 of the ATM protein (p.Tyr380Cys). This variant is not present in population databases (gnomAD no frequency). This variant has not been reported in the literature in individuals affected with ATM-related conditions. ClinVar contains an entry for this variant (Variation ID: 187601). Invitae Evidence Modeling of protein sequence and biophysical properties (such as structural, functional, and spatial information, amino acid conservation, physicochemical variation, residue mobility, and thermodynamic stability) indicates that this missense variant is not expected to disrupt ATM protein function with a negative predictive value of 95%. In summary, the available evidence is currently insufficient to determine the role of this variant in disease. Therefore, it has been classified as a Variant of Uncertain Significance.

Ambry Genetics
Classification: Likely benign for Hereditary cancer-predisposing syndrome. Last evaluated: 2025-04-17. Review status: criteria provided, single submitter. Criteria: Ambry Variant Classification Scheme 2023. Collection method: clinical testing. Allele origin: germline.

Women's Health and Genetics/Laboratory Corporation of America, LabCorp
Classification: Uncertain significance. Last evaluated: 2019-03-21. Review status: criteria provided, single submitter. Criteria: LabCorp Variant Classification Summary - May 2015. Collection method: clinical testing. Allele origin: germline.
Comment: Variant summary: ATM c.1139A>G (p.Tyr380Cys) results in a non-conservative amino acid change in the encoded protein sequence. Four of five in-silico tools predict a benign effect of the variant on protein function. The variant was absent in 277070 control chromosomes (gnomAD). The available data on variant occurrences in the general population are insufficient to allow any conclusion about variant significance. To our knowledge, no occurrence of c.1139A>G in individuals affected with Ataxia-Telangiectasia and no experimental evidence demonstrating its impact on protein function have been reported. Two clinical diagnostic laboratories have submitted clinical-significance assessments for this variant to ClinVar after 2014 without evidence for independent evaluation and classified the variant as uncertain significance. Based on the evidence outlined above, the variant was classified as uncertain significance.

Natera, Inc.
Classification: Uncertain significance for Ataxia-telangiectasia. Last evaluated: 2021-02-26. Review status: no assertion criteria provided. Collection method: clinical testing. Allele origin: germline. Not counted in ClinVar's aggregate classification.

NM_000051.4(ATM):c.1139A>G (p.Tyr380Cys)

Gene: ATM (ATM serine/threonine kinase; plus strand). Cytogenetic location: 11q22.3.
Variant type: single nucleotide variant.
Coding change: c.1139A>G on transcript NM_000051.4 (MANE Select); coding-DNA position 1139, A replaced by G.
Protein change: p.Tyr380Cys; replaces tyrosine 380 with cysteine.
Molecular consequence: missense variant.
Genome position (GRCh38, 1-based): chr11:108,249,006, A>G. VCF-style: chr11-108249006-A-G. GRCh37 (hg19) VCF-style: chr11-108119733-A-G.
Other names: c.1139A>G, p.Tyr380Cys (NM_001351834.2); short protein forms Y380C.
Identifiers: ClinVar variation 187601 (VCV000187601.17), dbSNP rs786203855, ClinGen allele CA198056.